The following is an entry in ClinVar:

NM_001111.5(ADAR):c.1825T>C (p.Phe609Leu)

Gene: ADAR (adenosine deaminase RNA specific; minus strand). Cytogenetic location: 1q21.3.
Variant type: single nucleotide variant.
Coding change: c.1825T>C on transcript NM_001111.5 (MANE Select); coding-DNA position 1825, T replaced by C.
Protein change: p.Phe609Leu; replaces phenylalanine 609 with leucine.
Molecular consequence: missense variant.
Genome position (GRCh38, 1-based): chr1:154,597,937, A>G on the plus strand (T>C on the coding strand, the complement: ADAR is on the minus strand). VCF-style: chr1-154597937-A-G. GRCh37 (hg19) VCF-style: chr1-154570413-A-G.
Other names: c.940T>C, p.Phe314Leu (NM_001025107.3, NM_001193495.2, NM_001365046.1 and 3 more transcripts); c.1852T>C, p.Phe618Leu (NM_001365045.1); c.1825T>C, p.Phe609Leu (NM_015840.4, NM_015841.4); short protein forms F314L, F609L, F618L.
Identifiers: ClinVar variation 1719375 (VCV001719375.5), dbSNP rs2526605939, ClinGen allele CA342638903.

ClinVar aggregate classification (germline): Uncertain significance (1 of 4 stars; one submission).

Conditions:
Aicardi-Goutieres syndrome 6 (AGS6). Identifiers: Orphanet 51, MedGen C3539013, MONDO:0014007, OMIM 615010.
Symmetrical dyschromatosis of extremities (DSH). Also called: RETICULATE ACROPIGMENTATION OF DOHI; SYMMETRIC DYSCHROMATOSIS OF THE EXTREMITIES; Dyschromatosis symmetrica hereditaria; DYSCHROMATOSIS SYMMETRICA HEREDITARIA 1. Identifiers: Orphanet 41, MedGen C0406775, MONDO:0007483, OMIM 127400.

Submission:

Labcorp Genetics (formerly Invitae), Labcorp
Classification: Uncertain significance for Aicardi-Goutieres syndrome 6; Symmetrical dyschromatosis of extremities. Last evaluated: 2025-08-18. Review status: criteria provided, single submitter. Criteria: Invitae Variant Classification Sherloc (09022015). Collection method: clinical testing. Allele origin: germline.
Comment: This sequence change replaces phenylalanine, which is neutral and non-polar, with leucine, which is neutral and non-polar, at codon 609 of the ADAR protein (p.Phe609Leu). This variant is not present in population databases (gnomAD no frequency). This variant has not been reported in the literature in individuals affected with ADAR-related conditions. ClinVar contains an entry for this variant (Variation ID: 1719375). Invitae Evidence Modeling of protein sequence and biophysical properties (such as structural, functional, and spatial information, amino acid conservation, physicochemical variation, residue mobility, and thermodynamic stability) indicates that this missense variant is not expected to disrupt ADAR protein function with a negative predictive value of 80%. In summary, the available evidence is currently insufficient to determine the role of this variant in disease. Therefore, it has been classified as a Variant of Uncertain Significance.